The following is an entry in ClinVar:

ClinVar aggregate classification (germline): Uncertain significance. Review status: criteria provided, single submitter (1 of 4 stars). 2 submissions from 2 submitters: Uncertain significance (1). 1 of the submissions does not count toward it. Last evaluated 2022-07-17.

Conditions:
Familial long QT syndrome (RWS). Also called: Congenital long QT syndrome; Romano-Ward syndrome; VENTRICULAR FIBRILLATION WITH PROLONGED QT INTERVAL. Identifiers: Orphanet 768, MedGen C1141890, MONDO:0019171.
Long QT syndrome (LQTS). Identifiers: MedGen C0023976, MeSH D008133, MONDO:0002442. Disease mechanism: loss of function. Inheritance: Various modes of inheritance.

Allele frequency attached by ClinVar (database versions not stated): TOPMed below 0.00001; gnomAD 0.00001.

Submissions (2):

Labcorp Genetics (formerly Invitae), Labcorp
Classification: Uncertain significance for Long QT syndrome. Last evaluated: 2022-07-17. Review status: criteria provided, single submitter. Criteria: Invitae Variant Classification Sherloc (09022015). Collection method: clinical testing. Allele origin: germline.
Comment: This missense change has been observed in individual(s) with clinical features of long QT syndrome (PMID: 19716085). This variant is not present in population databases (gnomAD no frequency). This sequence change replaces alanine, which is neutral and non-polar, with aspartic acid, which is acidic and polar, at codon 277 of the KCNH2 protein (p.Ala277Asp). ClinVar contains an entry for this variant (Variation ID: 67533). In summary, the available evidence is currently insufficient to determine the role of this variant in disease. Therefore, it has been classified as a Variant of Uncertain Significance. Algorithms developed to predict the effect of missense changes on protein structure and function (SIFT, PolyPhen-2, Align-GVGD) all suggest that this variant is likely to be tolerated.

Cardiovascular Biomedical Research Unit, Royal Brompton & Harefield NHS Foundation Trust
No classification provided. Condition: Familial long QT syndrome. Review status: no classification provided. Collection method: literature only. Allele origin: germline. Not counted in ClinVar's aggregate classification.
Comment: This variant has been reported as associated with Long QT syndrome in the following publications (PMID:19716085). This is a literature report, and does not necessarily reflect the clinical interpretation of the Imperial College / Royal Brompton Cardiovascular Genetics laboratory.

Literature cited by the submitters: PubMed 19716085 (cited by Labcorp Genetics (formerly Invitae), Labcorp and Cardiovascular Biomedical Research Unit, Royal Brompton & Harefield NHS Foundation Trust); PubMed 22581653 (cited by Cardiovascular Biomedical Research Unit, Royal Brompton & Harefield NHS Foundation Trust).

NM_000238.4(KCNH2):c.830C>A (p.Ala277Asp)

Gene: KCNH2 (potassium voltage-gated channel subfamily H member 2; minus strand). Cytogenetic location: 7q36.1.
Variant type: single nucleotide variant.
Coding change: c.830C>A on transcript NM_000238.4 (MANE Select); coding-DNA position 830, C replaced by A.
Protein change: p.Ala277Asp; replaces alanine 277 with aspartic acid.
Molecular consequence: missense variant.
Genome position (GRCh38, 1-based): chr7:150,958,145, G>T on the plus strand (C>A on the coding strand, the complement: KCNH2 is on the minus strand). VCF-style: chr7-150958145-G-T. GRCh37 (hg19) VCF-style: chr7-150655233-G-T.
Other names: c.830C>A (LRG_288t1); c.542C>A, p.Ala181Asp (NM_001406753.1, NM_001406756.1); c.653C>A, p.Ala218Asp (NM_001406755.1); c.530C>A, p.Ala177Asp (NM_001406757.1); c.830C>A, p.Ala277Asp (NM_172056.3); short protein forms A277D, A177D, A181D, A218D.
Identifiers: ClinVar variation 67533 (VCV000067533.8), dbSNP rs199472878, ClinGen allele CA008879.